The following is an entry in ClinVar:

NM_182760.4(SUMF1):c.108G>C (p.Glu36Asp)

Genes: SUMF1 (sulfatase modifying factor 1; minus strand), LOC129936056 (ATAC-STARR-seq lymphoblastoid silent region 14016; plus strand). Cytogenetic location: 3p26.1.
Variant type: single nucleotide variant.
Coding change: c.108G>C on transcript NM_182760.4 (MANE Select); coding-DNA position 108, G replaced by C.
Protein change: p.Glu36Asp; replaces glutamic acid 36 with aspartic acid.
Molecular consequence: missense variant.
Genome position (GRCh38, 1-based): chr3:4,467,138, C>G on the plus strand (G>C on the coding strand, the complement: SUMF1 is on the minus strand). VCF-style: chr3-4467138-C-G. GRCh37 (hg19) VCF-style: chr3-4508822-C-G.
Other names: c.108G>C, p.Glu36Asp (NM_001164674.2, NM_001164675.2); short protein forms E36D.
Identifiers: ClinVar variation 1984958 (VCV001984958.4), dbSNP rs919560464, ClinGen allele CA351794476.

ClinVar aggregate classification (germline): Uncertain significance (1 of 4 stars; one submission).

Conditions:
Multiple sulfatase deficiency (MSD). Also called: Mucosulfatidosis; Multiple Sulfatase Deficiency Disease; Sulfatidosis, Juvenile, Austin Type. Identifiers: Orphanet 585, MedGen C0268263, MONDO:0010088, OMIM 272200.

Allele frequency attached by ClinVar (database versions not stated): gnomAD exomes 0.00001.
gnomAD v4.1: 4 of 1,573,390 alleles (0.00025%); highest among the groups gnomAD compares: South Asian, 0.0035%; 1 homozygote.

Submission:

Labcorp Genetics (formerly Invitae), Labcorp
Classification: Uncertain significance for Multiple sulfatase deficiency. Last evaluated: 2022-06-15. Review status: criteria provided, single submitter. Criteria: Invitae Variant Classification Sherloc (09022015). Collection method: clinical testing. Allele origin: germline.
Comment: In summary, the available evidence is currently insufficient to determine the role of this variant in disease. Therefore, it has been classified as a Variant of Uncertain Significance. Algorithms developed to predict the effect of missense changes on protein structure and function are either unavailable or do not agree on the potential impact of this missense change (SIFT: "Deleterious"; PolyPhen-2: "Benign"; Align-GVGD: "Class C0"). This variant has not been reported in the literature in individuals affected with SUMF1-related conditions. This variant is present in population databases (no rsID available, gnomAD 0.008%), including at least one homozygous and/or hemizygous individual. This sequence change replaces glutamic acid, which is acidic and polar, with aspartic acid, which is acidic and polar, at codon 36 of the SUMF1 protein (p.Glu36Asp).